The following is an entry in ClinVar:

ClinVar aggregate classification (germline): Uncertain significance (1 of 4 stars; one submission).

Submission:

Dasa
Classification: Uncertain significance. Last evaluated: 2025-11-13. Review status: criteria provided, single submitter. Criteria: DASA Assertion Criteria. Collection method: clinical testing. Allele origin: germline.
Comment: NM_001379200.1(TBX1):c.1444G>A (p.Ala482Thr) is a missense variant that results in the substitution of alanine with threonine. This variant is rare in population databases. The currently available literature and clinical evidence are not sufficient to establish a definitive association between this variant and the reported condition. Therefore, this variant is classified as a variant of uncertain significance.

NM_001379200.1(TBX1):c.1444G>A (p.Ala482Thr)

Gene: TBX1 (T-box transcription factor 1; plus strand). Cytogenetic location: 22q11.21.
Variant type: single nucleotide variant.
Coding change: c.1444G>A on transcript NM_001379200.1 (MANE Select); coding-DNA position 1444, G replaced by A.
Protein change: p.Ala482Thr; replaces alanine 482 with threonine.
Molecular consequence: missense variant. On other transcripts: intron variant (2).
Genome position (GRCh38, 1-based): chr22:19,766,796, G>A. VCF-style: chr22-19766796-G-A. GRCh37 (hg19) VCF-style: chr22-19754319-G-A.
Other names: c.1417G>A, p.Ala473Thr (NM_080647.1); c.1009+794G>A (NM_005992.1, NM_080646.2); short protein forms A473T, A482T.
Identifiers: ClinVar variation 4883781 (VCV004883781.2).